The following is an entry in ClinVar:

NM_020354.5(ENTPD7):c.*6425_*6426dup

Genes: COX15 (cytochrome c oxidase assembly factor COX15; minus strand), ENTPD7 (ectonucleoside triphosphate diphosphohydrolase 7; plus strand). Cytogenetic location: 10q24.2.
Variant type: Duplication.
Coding change: c.*6425_*6426dup on transcript NM_020354.5 (MANE Select); 6425 bases downstream of the stop codon through 6426 bases downstream of the stop codon, 2 bases duplicated (AA; older notation c.*6425_*6426dupAA).
Molecular consequence: 3 prime UTR variant. On other transcripts: non-coding transcript variant (1), intron variant (1).
Genome position (GRCh38, 1-based): chr10:99,711,108-99,711,109, AA duplicated; duplicating any 2 consecutive bases within chr10:99,711,102-99,711,109 gives the same sequence; the c. name uses the placement nearest the transcript's 3' end. VCF-style (leftmost placement, unchanged base first): chr10-99711101-C-CAA. GRCh37 (hg19) VCF-style: chr10-101470858-C-CAA.
Other names: c.*3665_*3666dup (NM_001320975.2); c.*3484_*3485dup (NM_001320976.2, NM_001372025.1, NM_001372026.1 and 1 more transcripts); c.*2703_*2704dup (NM_001372024.1); c.*3588_*3589dup (NM_001372027.1); c.*2911_*2912dup (NM_001372028.1); c.*2311_*2312dup (NM_004376.7); c.*6425_*6426dup (NM_001349962.2, NM_001349963.2); c.1101+5245_1101+5246dup (NM_001320974.2).
Identifiers: ClinVar variation 298386 (VCV000298386.28), dbSNP rs11405417, ClinGen allele CA10629622.

ClinVar aggregate classification (germline): Benign (1 of 4 stars; one submission).

Submission:

CeGaT Center for Human Genetics Tuebingen
Classification: Benign. Last evaluated: 2023-05-01. Review status: criteria provided, single submitter. Criteria: CeGaT Center For Human Genetics Tuebingen Variant Classification Criteria Version 2. Collection method: clinical testing. Allele origin: germline. Affected: yes. Observed: 3 variant alleles.
Comment: COX15: BS1, BS2; ENTPD7: BS1, BS2